The following is an entry in ClinVar:

NM_005751.5(AKAP9):c.7989AAG[1] (p.Arg2664del)

Gene: AKAP9 (A-kinase anchoring protein 9; plus strand). Cytogenetic location: 7q21.2.
Variant type: Microsatellite.
Coding change: c.7989AAG[1] on transcript NM_005751.5 (MANE Select); one copy of the 3-base unit AAG starting at c.7989; the reference has two copies in a row; one copy, 3 bases deleted; also written c.7992_7994del.
Protein change: p.Arg2664del; deletes arginine 2664.
Molecular consequence: inframe deletion.
Genome position (GRCh38, 1-based): chr7:92,080,125-92,080,127, AAG deleted; deleting any 3 consecutive bases within chr7:92,080,122-92,080,127 gives the same sequence; the position shown is the placement nearest the transcript's 3' end. VCF-style (leftmost placement, unchanged base first): chr7-92080121-AAAG-A. GRCh37 (hg19) VCF-style: chr7-91709435-AAAG-A.
Other names: c.7992_7994del (NM_005751.5); c.2634AAG[1], p.Arg879del (NM_001379277.1); c.7965AAG[1], p.Arg2656del (NM_147185.3); short protein forms R2656del, R2664del, R879del.
Identifiers: ClinVar variation 1063710 (VCV001063710.10), dbSNP rs746947919, ClinGen allele CA4337372.

ClinVar aggregate classification (germline): Uncertain significance. Review status: criteria provided, multiple submitters, no conflicts (2 of 4 stars). 2 submissions from 2 submitters: Uncertain significance (2). Last evaluated 2022-11-15.

Conditions:
Long QT syndrome (LQTS). Identifiers: MedGen C0023976, MeSH D008133, MONDO:0002442. Disease mechanism: loss of function. Inheritance: Various modes of inheritance.
Long QT syndrome 11 (LQT11). Identifiers: Orphanet 101016, Orphanet 768, MedGen C2678483, MONDO:0012738, OMIM 611820.

Submissions (2):

Labcorp Genetics (formerly Invitae), Labcorp
Classification: Uncertain significance for Long QT syndrome. Last evaluated: 2022-11-15. Review status: criteria provided, single submitter. Criteria: Invitae Variant Classification Sherloc (09022015). Collection method: clinical testing. Allele origin: germline.
Comment: This variant is present in population databases (rs746947919, gnomAD 0.006%). This variant, c.7992_7994del, results in the deletion of 1 amino acid(s) of the AKAP9 protein (p.Arg2664del), but otherwise preserves the integrity of the reading frame. This variant has not been reported in the literature in individuals affected with AKAP9-related conditions. In summary, the available evidence is currently insufficient to determine the role of this variant in disease. Therefore, it has been classified as a Variant of Uncertain Significance. Experimental studies and prediction algorithms are not available or were not evaluated, and the functional significance of this variant is currently unknown.

Fulgent Genetics
Classification: Uncertain significance for Long QT syndrome 11. Last evaluated: 2021-10-28. Review status: criteria provided, single submitter. Criteria: ACMG Guidelines, 2015. Collection method: clinical testing. Allele origin: unknown.